The following is an entry in ClinVar:

NM_032444.4(SLX4):c.760+5G>C

Gene: SLX4 (SLX4 structure-specific endonuclease subunit; minus strand). Cytogenetic location: 16p13.3.
Variant type: single nucleotide variant.
Coding change: c.760+5G>C on transcript NM_032444.4 (MANE Select); 5 bases into the intron after coding-DNA position 760, G replaced by C.
Molecular consequence: intron variant.
Genome position (GRCh38, 1-based): chr16:3,606,469, C>G on the plus strand (G>C on the coding strand, the complement: SLX4 is on the minus strand). VCF-style: chr16-3606469-C-G. GRCh37 (hg19) VCF-style: chr16-3656470-C-G.
Identifiers: ClinVar variation 4720176 (VCV004720176.1).

ClinVar aggregate classification (germline): Uncertain significance (1 of 4 stars; one submission).

Conditions:
Fanconi anemia (FA). Also called: Fanconi's anemia. Identifiers: Orphanet 84, MedGen C0015625, MeSH D005199, MONDO:0019391.

Submission:

Labcorp Genetics (formerly Invitae), Labcorp
Classification: Uncertain significance for Fanconi anemia. Last evaluated: 2025-06-03. Review status: criteria provided, single submitter. Criteria: Invitae Variant Classification Sherloc (09022015). Collection method: clinical testing. Allele origin: germline.
Comment: This sequence change falls in intron 3 of the SLX4 gene. It does not directly change the encoded amino acid sequence of the SLX4 protein. It affects a nucleotide within the consensus splice site. This variant is not present in population databases (gnomAD no frequency). This variant has not been reported in the literature in individuals affected with SLX4-related conditions. Variants that disrupt the consensus splice site are a relatively common cause of aberrant splicing (PMID: 17576681, 9536098). Algorithms developed to predict the effect of sequence changes on RNA splicing suggest that this variant may disrupt the consensus splice site. In summary, the available evidence is currently insufficient to determine the role of this variant in disease. Therefore, it has been classified as a Variant of Uncertain Significance.

Literature cited by the submitters: PubMed 17576681; PubMed 9536098.